The following is an entry in ClinVar:

NM_174936.4(PCSK9):c.-7G>A

Gene: PCSK9 (proprotein convertase subtilisin/kexin type 9; plus strand). Cytogenetic location: 1p32.3.
Variant type: single nucleotide variant.
Coding change: c.-7G>A on transcript NM_174936.4 (MANE Select); 7 bases upstream of the start codon, G replaced by A.
Molecular consequence: 5 prime UTR variant. On other transcripts: non-coding transcript variant (8).
Genome position (GRCh38, 1-based): chr1:55,039,831, G>A. VCF-style: chr1-55039831-G-A. GRCh37 (hg19) VCF-style: chr1-55505504-G-A.
Other names: c.-7G>A (NM_001407240.1, NM_001407241.1, NM_001407242.1 and 4 more transcripts); c.-741G>A (NM_001407246.1).
Identifiers: ClinVar variation 3074453 (VCV003074453.1), dbSNP rs1644583955, ClinGen allele CA1001927927.

ClinVar aggregate classification (germline): Uncertain significance (1 of 4 stars; one submission).

Conditions:
Hypercholesterolemia, autosomal dominant, 3 (FHCL3). Also called: Familial Hypercholesterolemia, Autosomal Dominant, 3; PCSK9-Related Familial Hypercholesterolemia, Autosomal Dominant; Familial hypercholesterolemia 3. Identifiers: MedGen C1863551, MONDO:0011369, OMIM 603776.

Allele frequency attached by ClinVar (database versions not stated): gnomAD exomes below 0.00001; gnomAD 0.00001.
gnomAD v4.1: 2 of 1,566,404 alleles (0.00013%); highest among the groups gnomAD compares: South Asian, 0.0023%; no homozygotes.

Submission:

All of Us Research Program, National Institutes of Health
Classification: Uncertain significance for Hypercholesterolemia, autosomal dominant, 3. Last evaluated: 2023-11-20. Review status: criteria provided, single submitter. Criteria: ACMG Guidelines, 2015. Collection method: clinical testing. Allele origin: germline. Inheritance: Autosomal dominant inheritance. Observed: 1 variant allele, 1 heterozygote.
Comment: This variant is located in the 5' untranslated region in the PCSK9 protein. To our knowledge, functional studies have not been reported for this variant. This variant has not been reported in individuals affected with PCSK9-related disorders in the literature. This variant has not been identified in the general population by the Genome Aggregation Database (gnomAD). The available evidence is insufficient to determine the role of this variant in disease conclusively. Therefore, this variant is classified as a Variant of Uncertain Significance.

This study involves interpretation of variants in research participants for the purpose of population health screening. Participant phenotype was not available at the time of variant classification. Additional details can be found in publication PMID: 35346344, PMCID: PMC8962531